The following is an entry in ClinVar:

ClinVar aggregate classification (germline): Likely benign. Review status: criteria provided, multiple submitters, no conflicts (2 of 4 stars). 2 submissions from 2 submitters: Likely benign (2). Last evaluated 2025-03-16.

Conditions:
Arrhythmogenic right ventricular dysplasia 11. Also called: Arrhythmogenic Right Ventricular Dysplasia/Cardiomyopathy11; ARRHYTHMOGENIC RIGHT VENTRICULAR DYSPLASIA, FAMILIAL, 11; Arrhythmogenic right ventricular dysplasia 11 with mild palmoplantar keratoderma and woolly hair. Identifiers: MedGen C1864850, MONDO:0012506, OMIM 610476.
Familial isolated arrhythmogenic right ventricular dysplasia. Identifiers: Orphanet 217656, MedGen C4274968, MONDO:0016342.

Allele frequency attached by ClinVar (database versions not stated): ExAC 0.00001.
gnomAD v4.1: 8 of 1,613,276 alleles (0.0005%); highest among the groups gnomAD compares: Admixed American, 0.0067%; no homozygotes.

Submissions (2):

Labcorp Genetics (formerly Invitae), Labcorp
Classification: Likely benign for Arrhythmogenic right ventricular dysplasia 11. Last evaluated: 2025-03-16. Review status: criteria provided, single submitter. Criteria: Invitae Variant Classification Sherloc (09022015). Collection method: clinical testing. Allele origin: germline.

All of Us Research Program, National Institutes of Health
Classification: Likely benign for Familial isolated arrhythmogenic right ventricular dysplasia. Last evaluated: 2024-07-20. Review status: criteria provided, single submitter. Criteria: ACMG Guidelines, 2015. Collection method: clinical testing. Allele origin: germline. Inheritance: Autosomal dominant inheritance. Observed: 1 variant allele, 1 heterozygote.
Comment: This study involves interpretation of variants in research participants for the purpose of population health screening. Participant phenotype was not available at the time of variant classification. Additional details can be found in publication PMID: 35346344, PMCID: PMC8962531

NM_024422.6(DSC2):c.631-10C>G

Gene: DSC2 (desmocollin 2; minus strand). Cytogenetic location: 18q12.1.
Variant type: single nucleotide variant.
Coding change: c.631-10C>G on transcript NM_024422.6 (MANE Select); 10 bases into the intron before coding-DNA position 631, C replaced by G.
Molecular consequence: intron variant.
Genome position (GRCh38, 1-based): chr18:31,087,823, G>C on the plus strand (C>G on the coding strand, the complement: DSC2 is on the minus strand). VCF-style: chr18-31087823-G-C. GRCh37 (hg19) VCF-style: chr18-28667786-G-C.
Other names: c.631-10C>G (NM_004949.5).
Identifiers: ClinVar variation 1136751 (VCV001136751.10), dbSNP rs745848441, ClinGen allele CA039130.